The following is an entry in ClinVar:

ClinVar aggregate classification (germline): Uncertain significance. Review status: criteria provided, multiple submitters, no conflicts (2 of 4 stars). 3 submissions from 3 submitters: Uncertain significance (3). Last evaluated 2025-06-02.

Conditions:
Hereditary cancer-predisposing syndrome. Also called: Neoplastic Syndromes, Hereditary; Hereditary Cancer Syndrome; Tumor predisposition; Hereditary neoplastic syndrome. Identifiers: Orphanet 140162, MedGen C0027672, MeSH D009386, MONDO:0015356.
Ataxia-telangiectasia syndrome (AT). Also called: LOUIS-BAR SYNDROME; Cerebello-oculocutaneous telangiectasia; Immunodeficiency with ataxia telangiectasia; Ataxia-telangiectasia, complementation group D; AT, COMPLEMENTATION GROUP C; Ataxia-telangiectasia, complementation group E. Identifiers: Orphanet 100, MedGen C0004135, MONDO:0008840, OMIM 208900.

Submissions (3):

Labcorp Genetics (formerly Invitae), Labcorp
Classification: Uncertain significance for Ataxia-telangiectasia syndrome. Last evaluated: 2025-06-02. Review status: criteria provided, single submitter. Criteria: Invitae Variant Classification Sherloc (09022015). Collection method: clinical testing. Allele origin: germline.
Comment: This sequence change replaces lysine, which is basic and polar, with glutamic acid, which is acidic and polar, at codon 3004 of the ATM protein (p.Lys3004Glu). This variant is not present in population databases (gnomAD no frequency). This variant has not been reported in the literature in individuals affected with ATM-related conditions. ClinVar contains an entry for this variant (Variation ID: 489602). Invitae Evidence Modeling of protein sequence and biophysical properties (such as structural, functional, and spatial information, amino acid conservation, physicochemical variation, residue mobility, and thermodynamic stability) indicates that this missense variant is not expected to disrupt ATM protein function with a negative predictive value of 95%. In summary, the available evidence is currently insufficient to determine the role of this variant in disease. Therefore, it has been classified as a Variant of Uncertain Significance.

Ambry Genetics
Classification: Uncertain significance for Hereditary cancer-predisposing syndrome. Last evaluated: 2025-04-14. Review status: criteria provided, single submitter. Criteria: Ambry Variant Classification Scheme 2023. Collection method: clinical testing. Allele origin: germline.
Comment: The p.K3004E variant (also known as c.9010A>G), located in coding exon 62 of the ATM gene, results from an A to G substitution at nucleotide position 9010. The lysine at codon 3004 is replaced by glutamic acid, an amino acid with similar properties. This amino acid position is highly conserved in available vertebrate species. In addition, the in silico prediction for this alteration is inconclusive. Based on the available evidence, the clinical significance of this variant remains unclear.

Color Diagnostics, LLC DBA Color Health
Classification: Uncertain significance for Hereditary cancer-predisposing syndrome. Last evaluated: 2018-10-03. Review status: criteria provided, single submitter. Criteria: ACMG Guidelines, 2015. Collection method: clinical testing. Allele origin: germline.

NM_000051.4(ATM):c.9010A>G (p.Lys3004Glu)

Genes: C11orf65 (chromosome 11 open reading frame 65; minus strand), ATM (ATM serine/threonine kinase; plus strand). Cytogenetic location: 11q22.3.
Variant type: single nucleotide variant.
Coding change: c.9010A>G on transcript NM_000051.4 (MANE Select); coding-DNA position 9010, A replaced by G.
Protein change: p.Lys3004Glu; replaces lysine 3004 with glutamic acid.
Molecular consequence: missense variant. On other transcripts: intron variant (2).
Genome position (GRCh38, 1-based): chr11:108,365,347, A>G. VCF-style: chr11-108365347-A-G. GRCh37 (hg19) VCF-style: chr11-108236074-A-G.
Other names: c.9010A>G, p.Lys3004Glu (NM_001351834.2); c.640+20573T>C (NM_001330368.2); c.694+20573T>C (NM_001351110.2); short protein forms K3004E.
Identifiers: ClinVar variation 489602 (VCV000489602.14), dbSNP rs1555151737, ClinGen allele CA382530978.